The following is an entry in ClinVar:

NM_000051.4(ATM):c.8988-9del

Genes: C11orf65 (chromosome 11 open reading frame 65; minus strand), ATM (ATM serine/threonine kinase; plus strand). Cytogenetic location: 11q22.3.
Variant type: Deletion.
Coding change: c.8988-9del on transcript NM_000051.4 (MANE Select); 9 bases into the intron before coding-DNA position 8988, one base deleted (T; older notation c.8988-9delT).
Molecular consequence: intron variant.
Genome position (GRCh38, 1-based): chr11:108,365,316, T deleted; the last of 5 consecutive T bases (chr11:108,365,312-108,365,316); deleting any one gives the same sequence. VCF-style (leftmost placement, unchanged base first): chr11-108365311-GT-G. GRCh37 (hg19) VCF-style: chr11-108236038-GT-G.
Other names: c.8988-9del (NM_001351834.2); c.640+20608del (NM_001330368.2); c.694+20608del (NM_001351110.2).
Identifiers: ClinVar variation 3254304 (VCV003254304.1), dbSNP rs2547681340.

ClinVar aggregate classification (germline): Likely benign (1 of 4 stars; one submission).

Conditions:
Familial cancer of breast. Also called: hereditary breast carcinoma; BREAST CANCER, FAMILIAL; Hereditary breast cancer. Identifiers: Orphanet 227535, MedGen C0346153, MONDO:0016419, OMIM 114480. Disease mechanism: loss of function.

Submission:

Myriad Genetics, Inc.
Classification: Likely benign for Familial cancer of breast. Last evaluated: 2024-06-24. Review status: criteria provided, single submitter. Criteria: Myriad Autosomal Dominant, Autosomal Recessive and X-Linked Classification Criteria (2023). Collection method: clinical testing. Allele origin: unknown.
Comment: This variant is considered likely benign. This variant is intronic and is not expected to impact mRNA splicing.